The following is an entry in ClinVar:

ClinVar aggregate classification (germline): Uncertain significance (1 of 4 stars; one submission).

Submission:

Labcorp Genetics (formerly Invitae), Labcorp
Classification: Uncertain significance. Last evaluated: 2022-10-17. Review status: criteria provided, single submitter. Criteria: Invitae Variant Classification Sherloc (09022015). Collection method: clinical testing. Allele origin: germline.
Comment: This variant is not present in population databases (gnomAD no frequency). In summary, the available evidence is currently insufficient to determine the role of this variant in disease. Therefore, it has been classified as a Variant of Uncertain Significance. Algorithms developed to predict the effect of missense changes on protein structure and function are either unavailable or do not agree on the potential impact of this missense change (SIFT: "Deleterious"; PolyPhen-2: "Possibly Damaging"; Align-GVGD: "Class C0"). This variant has not been reported in the literature in individuals affected with VAV1-related conditions. This sequence change replaces aspartic acid, which is acidic and polar, with alanine, which is neutral and non-polar, at codon 171 of the VAV1 protein (p.Asp171Ala).

NM_005428.4(VAV1):c.512A>C (p.Asp171Ala)

Gene: VAV1 (vav guanine nucleotide exchange factor 1; plus strand). Cytogenetic location: 19p13.3.
Variant type: single nucleotide variant.
Coding change: c.512A>C on transcript NM_005428.4 (MANE Select); coding-DNA position 512, A replaced by C.
Protein change: p.Asp171Ala; replaces aspartic acid 171 with alanine.
Molecular consequence: missense variant.
Genome position (GRCh38, 1-based): chr19:6,822,283, A>C. VCF-style: chr19-6822283-A-C. GRCh37 (hg19) VCF-style: chr19-6822294-A-C.
Other names: c.512A>C, p.Asp171Ala (NM_001258206.2, NM_001258207.2); short protein forms D171A.
Identifiers: ClinVar variation 2041601 (VCV002041601.4), dbSNP rs2512359051, ClinGen allele CA403615771.